The following is an entry in ClinVar:

NM_001290060.2(SEMA3B):c.2182C>G (p.Arg728Gly)

Gene: SEMA3B (semaphorin 3B; plus strand). Cytogenetic location: 3p21.31.
Variant type: single nucleotide variant.
Coding change: c.2182C>G on transcript NM_001290060.2 (MANE Select); coding-DNA position 2182, C replaced by G.
Protein change: p.Arg728Gly; replaces arginine 728 with glycine.
Molecular consequence: missense variant. On other transcripts: non-coding transcript variant (1).
Genome position (GRCh38, 1-based): chr3:50,276,638, C>G. VCF-style: chr3-50276638-C-G. GRCh37 (hg19) VCF-style: chr3-50314069-C-G.
Other names: c.2179C>G, p.Arg727Gly (NM_001005914.3); c.2197C>G, p.Arg733Gly (NM_001290061.1); c.1153C>G, p.Arg385Gly (NM_001290062.2, NM_001290063.2); c.2182C>G, p.Arg728Gly (NM_004636.4); short protein forms R385G, R727G, R728G, R733G.
Identifiers: ClinVar variation 2628949 (VCV002628949.2), dbSNP rs782337374, ClinGen allele CA2414218.

ClinVar aggregate classification (germline): Uncertain significance (1 of 4 stars; one submission).

Conditions:
SEMA3B-related disorder. Also called: SEMA3B-related condition.

Allele frequency attached by ClinVar (database versions not stated): ExAC 0.00025.
gnomAD v4.1: 31 of 1,594,966 alleles (0.0019%); highest among the groups gnomAD compares: Admixed American, 0.053%; no homozygotes.

Submission:

PreventionGenetics, part of Exact Sciences
Classification: Uncertain significance for SEMA3B-related condition. Last evaluated: 2026-08-25. Review status: criteria provided, single submitter. Criteria: ACMG Guidelines, 2015. Collection method: clinical testing. Allele origin: germline.
Comment: The SEMA3B c.2197C>G variant is predicted to result in the amino acid substitution p.Arg733Gly. To our knowledge, this variant has not been reported in the literature. This variant is reported in 0.085% of alleles in individuals of Latino descent in gnomAD. Although we suspect that this variant may be benign, at this time, the clinical significance of this variant is uncertain due to the absence of conclusive functional and genetic evidence.